The following is an entry in ClinVar:

NM_014363.6(SACS):c.1752A>G (p.Leu584=)

Gene: SACS (sacsin molecular chaperone; minus strand). Cytogenetic location: 13q12.12.
Variant type: single nucleotide variant.
Coding change: c.1752A>G on transcript NM_014363.6 (MANE Select); coding-DNA position 1752, A replaced by G.
Protein change: p.Leu584=; no amino-acid change (leucine 584 retained).
Molecular consequence: synonymous variant.
Genome position (GRCh38, 1-based): chr13:23,354,860, T>C on the plus strand (A>G on the coding strand, the complement: SACS is on the minus strand). VCF-style: chr13-23354860-T-C. GRCh37 (hg19) VCF-style: chr13-23928999-T-C.
Other names: c.1311A>G, p.Leu437= (NM_001278055.2).
Identifiers: ClinVar variation 702431 (VCV000702431.15), dbSNP rs368626712, ClinGen allele CA6911856.

ClinVar aggregate classification (germline): Conflicting classifications of pathogenicity. Review status: criteria provided, conflicting classifications (1 of 4 stars). 4 submissions from 4 submitters: Uncertain significance (1); Likely benign (2). 1 of the submissions does not count toward it. Last evaluated 2026-04-24.

Conditions:
Spastic paraplegia. Identifiers: MedGen C0037772, HP:0001258.
Charlevoix-Saguenay spastic ataxia (SACS). Also called: Spastic ataxia of Charlevoix-Saguenay; SPASTIC ATAXIA 6, AUTOSOMAL RECESSIVE; AUTOSOMAL RECESSIVE SPASTIC ATAXIA OF CHARLEVOIX-SAGUENAY. Identifiers: Orphanet 98, MedGen C1849140, MONDO:0010041, OMIM 270550.
SACS-related disorder. Also called: SACS-related condition.
Hereditary spastic paraplegia. Also called: Familial spastic paraparesis. Identifiers: Orphanet 685, MedGen C0037773, MONDO:0019064. Disease mechanism: loss of function.

Allele frequency attached by ClinVar (database versions not stated): gnomAD 0.00001; gnomAD exomes 0.00001 and 0.00003; TOPMed 0.00001; ExAC 0.00004; ESP Exome Variant Server 0.00015.
gnomAD v4.1: 26 of 1,614,122 alleles (0.0016%); highest among the groups gnomAD compares: Middle Eastern, 0.066%; no homozygotes.

Submissions (4):

PreventionGenetics, part of Exact Sciences
Classification: Likely benign for SACS-related condition. Last evaluated: 2026-04-24. Review status: criteria provided, single submitter. Criteria: ACMG Guidelines, 2015. Collection method: clinical testing. Allele origin: germline.
Comment: This variant is classified as likely benign based on ACMG/AMP sequence variant interpretation guidelines (Richards et al. 2015 PMID: 25741868, with internal and published modifications).

Labcorp Genetics (formerly Invitae), Labcorp
Classification: Likely benign for Spastic paraplegia. Last evaluated: 2025-12-27. Review status: criteria provided, single submitter. Criteria: Invitae Variant Classification Sherloc (09022015). Collection method: clinical testing. Allele origin: germline.

Genome Diagnostics Laboratory, The Hospital for Sick Children
Classification: Uncertain significance for Hereditary spastic paraplegia. Last evaluated: 2019-01-01. Review status: criteria provided, single submitter. Criteria: ACMG Guidelines, 2015. Collection method: clinical testing. Allele origin: germline. Affected: yes.

Natera, Inc.
Classification: Likely benign for Charlevoix-Saguenay type spastic ataxia. Last evaluated: 2020-05-13. Review status: no assertion criteria provided. Collection method: clinical testing. Allele origin: germline. Not counted in ClinVar's aggregate classification.